The following is an entry in ClinVar:

NM_000260.4(MYO7A):c.6220C>T (p.Pro2074Ser)

Gene: MYO7A (myosin VIIA; plus strand). Cytogenetic location: 11q13.5.
Variant type: single nucleotide variant.
Coding change: c.6220C>T on transcript NM_000260.4 (MANE Select); coding-DNA position 6220, C replaced by T.
Protein change: p.Pro2074Ser; replaces proline 2074 with serine.
Molecular consequence: missense variant.
Genome position (GRCh38, 1-based): chr11:77,211,320, C>T. VCF-style: chr11-77211320-C-T. GRCh37 (hg19) VCF-style: chr11-76922365-C-T.
Other names: c.6106C>T, p.Pro2036Ser (NM_001127180.2); c.6073C>T, p.Pro2025Ser (NM_001369365.1); short protein forms P2074S, P2025S, P2036S.
Identifiers: ClinVar variation 552433 (VCV000552433.3), dbSNP rs747131589, ClinGen allele CA6198952.

ClinVar aggregate classification (germline): Uncertain significance. Review status: criteria provided, single submitter (1 of 4 stars). 2 submissions from 2 submitters: Uncertain significance (1). 1 of the submissions does not count toward it. Last evaluated 2026-08-12.

Conditions:
MYO7A-related disorder. Also called: MYO7A-related disorders.
Usher syndrome type 1 (USH1). Also called: RETINITIS PIGMENTOSA AND CONGENITAL DEAFNESS. Identifiers: Orphanet 231169, Orphanet 886, MedGen C1568247, MONDO:0010168, OMIM 276900.
Autosomal recessive nonsyndromic hearing loss 2. Also called: DEAFNESS, AUTOSOMAL RECESSIVE 2; NEUROSENSORY NONSYNDROMIC RECESSIVE DEAFNESS 2. Identifiers: Orphanet 90636, MedGen C1838701, MONDO:0010807, OMIM 600060.

Allele frequency attached by ClinVar (database versions not stated): ExAC below 0.00001; gnomAD 0.00001 and 0.00002; gnomAD exomes 0.00001 and 0.00003; TOPMed 0.00003.
gnomAD v4.1: 12 of 1,582,492 alleles (0.00076%); highest among the groups gnomAD compares: Admixed American, 0.009%; no homozygotes.

Submissions (2):

PreventionGenetics, part of Exact Sciences
Classification: Uncertain significance for MYO7A-related condition. Last evaluated: 2026-08-12. Review status: criteria provided, single submitter. Criteria: ACMG Guidelines, 2015. Collection method: clinical testing. Allele origin: germline.
Comment: The MYO7A c.6220C>T variant is predicted to result in the amino acid substitution p.Pro2074Ser. This variant was reported in the heterozygous state in a patient with Usher syndrome, although pathogenicity was not established (Besnard et al. 2014. PubMed ID: 24498627). This variant was also reported in a large cohort of individuals who presented with deafness (reported as p.Pro2036Ser in Table S3, Azaiez et al. 2018. PubMed ID: 30245029). This variant is reported in 0.010% of alleles in individuals of Latino descent in gnomAD, with five heterozygous individuals across multiple populations. At this time, the clinical significance of this variant is uncertain due to the absence of conclusive functional and genetic evidence.

Counsyl
Classification: Uncertain significance for Usher syndrome type 1; Autosomal recessive nonsyndromic hearing loss 2. Last evaluated: 2017-06-09. Review status: no assertion criteria provided. Collection method: clinical testing. Allele origin: unknown. Not counted in ClinVar's aggregate classification.

Literature cited by the submitters: PubMed 24498627 (cited by Counsyl).